The following is an entry in ClinVar:

NM_004984.4(KIF5A):c.1177C>A (p.Leu393Ile)

Gene: KIF5A (kinesin family member 5A; plus strand). Cytogenetic location: 12q13.3.
Variant type: single nucleotide variant.
Coding change: c.1177C>A on transcript NM_004984.4 (MANE Select); coding-DNA position 1177, C replaced by A.
Protein change: p.Leu393Ile; replaces leucine 393 with isoleucine.
Molecular consequence: missense variant.
Genome position (GRCh38, 1-based): chr12:57,570,046, C>A. VCF-style: chr12-57570046-C-A. GRCh37 (hg19) VCF-style: chr12-57963829-C-A.
Other names: c.910C>A, p.Leu304Ile (NM_001354705.2); short protein forms L304I, L393I.
Identifiers: ClinVar variation 1345521 (VCV001345521.8), dbSNP rs1247656371, ClinGen allele CA385503836.

ClinVar aggregate classification (germline): Uncertain significance (1 of 4 stars; one submission).

Conditions:
Spastic paraplegia. Identifiers: MedGen C0037772, HP:0001258.

Allele frequency attached by ClinVar (database versions not stated): gnomAD exomes 0.00002; gnomAD 0.00001.
gnomAD v4.1: 25 of 1,613,880 alleles (0.0015%); highest among the groups gnomAD compares: Non-Finnish European, 0.002%; no homozygotes.

Submission:

Labcorp Genetics (formerly Invitae), Labcorp
Classification: Uncertain significance for Spastic paraplegia. Last evaluated: 2021-02-25. Review status: criteria provided, single submitter. Criteria: Invitae Variant Classification Sherloc (09022015). Collection method: clinical testing. Allele origin: germline.
Comment: In summary, the available evidence is currently insufficient to determine the role of this variant in disease. Therefore, it has been classified as a Variant of Uncertain Significance. Advanced modeling of protein sequence and biophysical properties (such as structural, functional, and spatial information, amino acid conservation, physicochemical variation, residue mobility, and thermodynamic stability) performed at Invitae indicates that this missense variant is not expected to disrupt KIF5A protein function. This variant has not been reported in the literature in individuals with KIF5A-related conditions. This variant is not present in population databases (ExAC no frequency). This sequence change replaces leucine with isoleucine at codon 393 of the KIF5A protein (p.Leu393Ile). The leucine residue is moderately conserved and there is a small physicochemical difference between leucine and isoleucine.